The following is an entry in ClinVar:

ClinVar aggregate classification (germline): Conflicting classifications of pathogenicity. Review status: criteria provided, conflicting classifications (1 of 4 stars). 3 submissions from 3 submitters: Uncertain significance (1); Likely benign (2). Last evaluated 2025-11-17.

Conditions:
Fanconi anemia (FA). Also called: Fanconi's anemia. Identifiers: Orphanet 84, MedGen C0015625, MeSH D005199, MONDO:0019391.
Inborn genetic diseases. Identifiers: MedGen C0950123, MeSH D030342.

gnomAD v4.1: 1 of 1,614,096 alleles (0.000062%); highest among the groups gnomAD compares: African/African-American, 0.0013%; no homozygotes.

Submissions (3):

Ambry Genetics
Classification: Likely benign for Inborn genetic diseases. Last evaluated: 2025-11-17. Review status: criteria provided, single submitter. Criteria: Ambry Variant Classification Scheme 2023. Collection method: clinical testing. Allele origin: germline.

Labcorp Genetics (formerly Invitae), Labcorp
Classification: Likely benign for Fanconi anemia. Last evaluated: 2024-09-24. Review status: criteria provided, single submitter. Criteria: Invitae Variant Classification Sherloc (09022015). Collection method: clinical testing. Allele origin: germline.

Quest Diagnostics Nichols Institute San Juan Capistrano
Classification: Uncertain significance. Last evaluated: 2023-12-18. Review status: criteria provided, single submitter. Criteria: Quest Diagnostics criteria. Collection method: clinical testing. Allele origin: unknown.
Comment: The FANCM c.5358G>A (p.Glu1786=) synonymous variant has not been reported in individuals with FANCM-related conditions in the published literature. It also has not been reported in large, multi-ethnic general populations (Genome Aggregation Database). Analysis of this variant using software algorithms for the prediction of the effect of nucleotide changes on splicing yielded predictions that this variant does not affect FANCM mRNA splicing. Based on the available information, we are unable to determine the clinical significance of this variant.

NM_020937.4(FANCM):c.5358G>A (p.Glu1786=)

Gene: FANCM (FA complementation group M; plus strand). Cytogenetic location: 14q21.2.
Variant type: single nucleotide variant.
Coding change: c.5358G>A on transcript NM_020937.4 (MANE Select); coding-DNA position 5358, G replaced by A.
Protein change: p.Glu1786=; no amino-acid change (glutamic acid 1786 retained).
Molecular consequence: synonymous variant.
Genome position (GRCh38, 1-based): chr14:45,196,189, G>A. VCF-style: chr14-45196189-G-A. GRCh37 (hg19) VCF-style: chr14-45665392-G-A.
Other names: c.5280G>A, p.Glu1760= (NM_001308133.2).
Identifiers: ClinVar variation 3572294 (VCV003572294.4).